The following is an entry in ClinVar:

ClinVar aggregate classification (germline): Uncertain significance. Review status: criteria provided, single submitter (1 of 4 stars). 2 submissions from 2 submitters: Uncertain significance (1). 1 of the submissions does not count toward it. Last evaluated 2025-06-12.

Allele frequency attached by ClinVar (database versions not stated): gnomAD exomes 0.00002 and 0.00001; TOPMed 0.00007; ExAC 0.00002; gnomAD 0.00007 and 0.00008; ESP Exome Variant Server 0.00008; 1000 Genomes Project 30x 0.00031.
gnomAD v4.1: 28 of 1,614,004 alleles (0.0017%); highest among the groups gnomAD compares: African/African-American, 0.012%; no homozygotes.

Submissions (2):

Labcorp Genetics (formerly Invitae), Labcorp
Classification: Uncertain significance. Last evaluated: 2025-06-12. Review status: criteria provided, single submitter. Criteria: Invitae Variant Classification Sherloc (09022015). Collection method: clinical testing. Allele origin: germline.
Comment: This sequence change creates a premature translational stop signal (p.Arg448*) in the KANK4 gene. It is expected to result in an absent or disrupted protein product. However, the current clinical and genetic evidence is not sufficient to establish whether loss-of-function variants in KANK4 cause disease. This variant is present in population databases (rs370065609, gnomAD 0.02%). This variant has not been reported in the literature in individuals affected with KANK4-related conditions. ClinVar contains an entry for this variant (Variation ID: 633675). In summary, the available evidence is currently insufficient to determine the role of this variant in disease. Therefore, it has been classified as a Variant of Uncertain Significance.

Gharavi Laboratory, Columbia University
Classification: Uncertain significance. Last evaluated: 2018-09-16. Review status: no assertion criteria provided. Criteria: ACMG Guidelines, 2015. Collection method: research. Allele origin: germline. Affected: no. Not counted in ClinVar's aggregate classification.

NM_181712.5(KANK4):c.1342C>T (p.Arg448Ter)

Gene: KANK4 (KN motif and ankyrin repeat domains 4; minus strand). Cytogenetic location: 1p31.3.
Variant type: single nucleotide variant.
Coding change: c.1342C>T on transcript NM_181712.5 (MANE Select); coding-DNA position 1342, C replaced by T.
Protein change: p.Arg448Ter; replaces arginine 448 with a stop codon.
Molecular consequence: nonsense. On other transcripts: intron variant (1).
Genome position (GRCh38, 1-based): chr1:62,273,762, G>A on the plus strand (C>T on the coding strand, the complement: KANK4 is on the minus strand). VCF-style: chr1-62273762-G-A. GRCh37 (hg19) VCF-style: chr1-62739434-G-A.
Other names: c.17-2173C>T (NM_001320269.2); short protein forms R448*.
Identifiers: ClinVar variation 633675 (VCV000633675.4), dbSNP rs370065609, ClinGen allele CA884394.
Genomic context (GRCh38, chr1:62,273,762, plus strand): 5'-GGCTCTGATTCCCTTGTTTATGACCATCTGGCCCCCATAGGAGGCCATTCTCCTCTCCTC[G>A]GTGCCCCCAGCTTTCAGACTCCATGCTGCCTAGAAGGTTGACTTCAATGCCCTTATCACA-3'